The following is an entry in ClinVar:

ClinVar aggregate classification (germline): Uncertain significance. Review status: criteria provided, multiple submitters, no conflicts (2 of 4 stars). 3 submissions from 3 submitters: Uncertain significance (3). Last evaluated 2025-12-03.

Conditions:
Hereditary cancer-predisposing syndrome. Also called: Hereditary Cancer Syndrome; Tumor predisposition; Hereditary neoplastic syndrome; Neoplastic Syndromes, Hereditary. Identifiers: Orphanet 140162, MedGen C0027672, MeSH D009386, MONDO:0015356.

Submissions (3):

Labcorp Genetics (formerly Invitae), Labcorp
Classification: Uncertain significance. Last evaluated: 2025-12-03. Review status: criteria provided, single submitter. Criteria: Invitae Variant Classification Sherloc (09022015). Collection method: clinical testing. Allele origin: germline.
Comment: This sequence change replaces phenylalanine, which is neutral and non-polar, with leucine, which is neutral and non-polar, at codon 952 of the MSH3 protein (p.Phe952Leu). This variant is not present in population databases (gnomAD no frequency). This variant has not been reported in the literature in individuals affected with MSH3-related conditions. ClinVar contains an entry for this variant (Variation ID: 1413430). An algorithm developed to predict the effect of missense changes on protein structure and function (PolyPhen-2) suggests that this variant is likely to be disruptive. In summary, the available evidence is currently insufficient to determine the role of this variant in disease. Therefore, it has been classified as a Variant of Uncertain Significance.

Center for Genomic Medicine, Rigshospitalet, Copenhagen University Hospital
Classification: Uncertain significance. Last evaluated: 2025-03-04. Review status: criteria provided, single submitter. Criteria: ACMG Guidelines, 2015. Collection method: clinical testing. Allele origin: germline.

Ambry Genetics
Classification: Uncertain significance for Hereditary cancer-predisposing syndrome. Last evaluated: 2024-10-11. Review status: criteria provided, single submitter. Criteria: Ambry Variant Classification Scheme 2023. Collection method: clinical testing. Allele origin: germline.
Comment: The p.F952L variant (also known as c.2854T>C), located in coding exon 21 of the MSH3 gene, results from a T to C substitution at nucleotide position 2854. The phenylalanine at codon 952 is replaced by leucine, an amino acid with highly similar properties. This amino acid position is conserved. In addition, this alteration is predicted to be deleterious by in silico analysis. Based on the available evidence, the clinical significance of this variant remains unclear.

NM_002439.5(MSH3):c.2854T>C (p.Phe952Leu)

Gene: MSH3 (mutS homolog 3; plus strand). Cytogenetic location: 5q14.1.
Variant type: single nucleotide variant.
Coding change: c.2854T>C on transcript NM_002439.5 (MANE Select); coding-DNA position 2854, T replaced by C.
Protein change: p.Phe952Leu; replaces phenylalanine 952 with leucine.
Molecular consequence: missense variant.
Genome position (GRCh38, 1-based): chr5:80,854,170, T>C. VCF-style: chr5-80854170-T-C. GRCh37 (hg19) VCF-style: chr5-80149989-T-C.
Other names: c.2854T>C (NM_002439.3); short protein forms F952L.
Identifiers: ClinVar variation 1413430 (VCV001413430.9), dbSNP rs2112106328, ClinGen allele CA360275542.